The following is an entry in ClinVar:

ClinVar aggregate classification (germline): Uncertain significance. Review status: criteria provided, multiple submitters, no conflicts (2 of 4 stars). 5 submissions from 5 submitters: Uncertain significance (5). Last evaluated 2025-07-02.

Conditions:
Inflammatory bowel disease 28. Also called: Inflammatory bowel disease 28, early onset, autosomal recessive. Identifiers: Orphanet 238569, MedGen C2751053, MONDO:0013153, OMIM 613148.

Allele frequency attached by ClinVar (database versions not stated): ExAC 0.00006; gnomAD 0.00006; gnomAD exomes 0.00006; TOPMed 0.00007.
gnomAD v4.1: 103 of 1,613,732 alleles (0.0064%); highest among the groups gnomAD compares: Non-Finnish European, 0.0077%; no homozygotes.

Submissions (5):

Mayo Clinic Laboratories, Mayo Clinic
Classification: Uncertain significance. Last evaluated: 2025-07-02. Review status: criteria provided, single submitter. Criteria: ACMG Guidelines, 2015. Collection method: clinical testing. Allele origin: germline. Observed: 1 variant allele.
Comment: BP4_moderate

Labcorp Genetics (formerly Invitae), Labcorp
Classification: Uncertain significance for Inflammatory bowel disease 28. Last evaluated: 2022-07-19. Review status: criteria provided, single submitter. Criteria: Invitae Variant Classification Sherloc (09022015). Collection method: clinical testing. Allele origin: germline.
Comment: This sequence change replaces arginine, which is basic and polar, with histidine, which is basic and polar, at codon 262 of the IL10RA protein (p.Arg262His). This variant is present in population databases (rs202121581, gnomAD 0.01%). This variant has not been reported in the literature in individuals affected with IL10RA-related conditions. ClinVar contains an entry for this variant (Variation ID: 302551). Algorithms developed to predict the effect of missense changes on protein structure and function output the following: SIFT: "Tolerated"; PolyPhen-2: "Benign"; Align-GVGD: "Class C0". The histidine amino acid residue is found in multiple mammalian species, which suggests that this missense change does not adversely affect protein function. This variant disrupts the p.Arg262 amino acid residue in IL10RA. Other variant(s) that disrupt this residue have been determined to be pathogenic (PMID: 21519361, 24001973; Invitae). This suggests that this residue is clinically significant, and that variants that disrupt this residue are likely to be disease-causing. In summary, the available evidence is currently insufficient to determine the role of this variant in disease. Therefore, it has been classified as a Variant of Uncertain Significance.

CeGaT Center for Human Genetics Tuebingen
Classification: Uncertain significance. Last evaluated: 2021-11-01. Review status: criteria provided, single submitter. Criteria: CeGaT Center For Human Genetics Tuebingen Variant Classification Criteria Version 2. Collection method: clinical testing. Allele origin: germline. Affected: yes. Observed: 1 variant allele.

Department of Pathology and Laboratory Medicine, Sinai Health System
Classification: Uncertain significance for Inflammatory bowel disease 28. Last evaluated: 2021-10-06. Review status: criteria provided, single submitter. Criteria: ACMG Guidelines, 2015. Collection method: research. Allele origin: germline.

Illumina Laboratory Services, Illumina
Classification: Uncertain significance for Inflammatory bowel disease 28. Last evaluated: 2018-01-13. Review status: criteria provided, single submitter. Criteria: ICSL Variant Classification Criteria 13 December 2019. Collection method: clinical testing. Allele origin: germline.

Literature cited by the submitters: PubMed 21519361 (cited by Labcorp Genetics (formerly Invitae), Labcorp); PubMed 24001973 (cited by Labcorp Genetics (formerly Invitae), Labcorp).

NM_001558.4(IL10RA):c.785G>A (p.Arg262His)

Gene: IL10RA (interleukin 10 receptor subunit alpha; plus strand). Cytogenetic location: 11q23.3.
Variant type: single nucleotide variant.
Coding change: c.785G>A on transcript NM_001558.4 (MANE Select); coding-DNA position 785, G replaced by A.
Protein change: p.Arg262His; replaces arginine 262 with histidine.
Molecular consequence: missense variant. On other transcripts: non-coding transcript variant (1).
Genome position (GRCh38, 1-based): chr11:117,995,685, G>A. VCF-style: chr11-117995685-G-A. GRCh37 (hg19) VCF-style: chr11-117866400-G-A.
Other names: p.Arg262His; short protein forms R262H.
Identifiers: ClinVar variation 302551 (VCV000302551.45), dbSNP rs202121581, ClinGen allele CA6299047.